The following is an entry in ClinVar:

ClinVar aggregate classification (germline): Pathogenic/Likely pathogenic. Review status: criteria provided, multiple submitters, no conflicts (2 of 4 stars). 6 submissions from 5 submitters: Pathogenic (1); Likely pathogenic (3). 2 of the submissions do not count toward it. Last evaluated 2025-07-30.

Conditions:
GNAS-related disorder. Identifiers: MedGen CN380105.
Pseudohypoparathyroidism (PHP1A). Identifiers: Orphanet 79443, Orphanet 97593, MedGen C0033806, MONDO:0019992, HP:0000852.
Pseudopseudohypoparathyroidism (PPHP). Also called: ALBRIGHT HEREDITARY OSTEODYSTROPHY WITHOUT MULTIPLE HORMONE RESISTANCE; Pseudopseudohypoparathyroidism (PPHP). Identifiers: Orphanet 79445, MedGen C0033835, MONDO:0012912, OMIM 612463.

Submissions (6):

3billion
Classification: Likely pathogenic for GNAS-related disorder. Last evaluated: 2025-07-30. Review status: criteria provided, single submitter. Criteria: ACMG Guidelines, 2015. Collection method: clinical testing. Allele origin: germline. Affected: yes.
Comment: The variant is not observed in the gnomAD v4.1.0 dataset. Predicted Consequence/Location: Missense variant In silico tool predictions suggest damaging effect of the variant on gene or gene product [REVEL: 0.82 (>=0.6, sensitivity 0.68 and specificity 0.92); 3Cnet: 0.96 (> 0.75, sensitivity 0.96 and precision 0.92)]. The same nucleotide change resulting in the same amino acid change has been previously reported as pathogenic/likely pathogenic with strong evidence (ClinVar ID: VCV000015953 /PMID: 11600516). Different missense changes at the same codon (p.Pro115Arg, p.Pro115Ser) have been reported as pathogenic/likely pathogenic with strong evidence (ClinVar ID: VCV001459427 /PMID: 31041856, 9876352). Therefore, this variant is classified as Likely pathogenic according to the recommendation of ACMG/AMP guideline.

Labcorp Genetics (formerly Invitae), Labcorp
Classification: Pathogenic. Last evaluated: 2022-12-16. Review status: criteria provided, single submitter. Criteria: Invitae Variant Classification Sherloc (09022015). Collection method: clinical testing. Allele origin: germline.
Comment: This sequence change replaces proline, which is neutral and non-polar, with leucine, which is neutral and non-polar, at codon 115 of the GNAS protein (p.Pro115Leu). This variant is not present in population databases (gnomAD no frequency). This missense change has been observed in individuals with pseudohypoparathyroidism type 1a (PMID: 11600516, 23884777). It has also been observed to segregate with disease in related individuals. This variant is also known as p.Pro116Leu. ClinVar contains an entry for this variant (Variation ID: 15953). Advanced modeling of protein sequence and biophysical properties (such as structural, functional, and spatial information, amino acid conservation, physicochemical variation, residue mobility, and thermodynamic stability) performed at Invitae indicates that this missense variant is expected to disrupt GNAS protein function. This variant disrupts the p.Pro115 amino acid residue in GNAS. Other variant(s) that disrupt this residue have been determined to be pathogenic (PMID: 21274345, 28296742, 29059381). This suggests that this residue is clinically significant, and that variants that disrupt this residue are likely to be disease-causing. For these reasons, this variant has been classified as Pathogenic.

GeneDx
Classification: Likely pathogenic. Last evaluated: 2022-04-14. Review status: criteria provided, single submitter. Criteria: GeneDx Variant Classification Process June 2021. Collection method: clinical testing. Allele origin: germline. Affected: yes.
Comment: Not observed in large population cohorts (gnomAD); In silico analysis supports that this missense variant has a deleterious effect on protein structure/function; This variant is associated with the following publications: (PMID: 12621129, 11600516, 16789628, 24850831, 21274345, 15070926, 31886927)

Undiagnosed Diseases Network, NIH
Classification: Likely pathogenic for Pseudohypoparathyroidism type I A. Last evaluated: 2019-01-29. Review status: criteria provided, single submitter. Criteria: ACMG Guidelines, 2015. Collection method: clinical testing. Allele origin: unknown. Inheritance: Autosomal dominant inheritance. Affected: yes. Observed: 1 variant allele, 1 heterozygote.

OMIM
Classification: Pathogenic for PSEUDOPSEUDOHYPOPARATHYROIDISM. Last evaluated: 2001-10-01. Review status: no assertion criteria provided. Collection method: literature only. Allele origin: germline. Not counted in ClinVar's aggregate classification.

OMIM
Classification: Pathogenic for PSEUDOHYPOPARATHYROIDISM, TYPE IA. Last evaluated: 2001-10-01. Review status: no assertion criteria provided. Collection method: literature only. Allele origin: germline. Not counted in ClinVar's aggregate classification.

Literature cited by the submitters: PubMed 31041856 (cited by 3billion); PubMed 11600516 (cited by 3 submitters); PubMed 23884777 (cited by Labcorp Genetics (formerly Invitae), Labcorp); PubMed 21274345 (cited by Labcorp Genetics (formerly Invitae), Labcorp); PubMed 28296742 (cited by Labcorp Genetics (formerly Invitae), Labcorp); PubMed 29059381 (cited by Labcorp Genetics (formerly Invitae), Labcorp).

NM_000516.7(GNAS):c.344C>T (p.Pro115Leu)

Gene: GNAS (GNAS complex locus; plus strand). Cytogenetic location: 20q13.32.
Variant type: single nucleotide variant.
Coding change: c.344C>T on transcript NM_000516.7 (MANE Select); coding-DNA position 344, C replaced by T.
Protein change: p.Pro115Leu; replaces proline 115 with leucine.
Molecular consequence: missense variant. On other transcripts: 3 prime UTR variant (2).
Genome position (GRCh38, 1-based): chr20:58,903,703, C>T. VCF-style: chr20-58903703-C-T. GRCh37 (hg19) VCF-style: chr20-57478758-C-T.
Other names: c.347C>T, p.Pro116Leu (NM_001077488.5); c.299C>T, p.Pro100Leu (NM_001077489.4); c.*205C>T (NM_001077490.3); c.167C>T, p.Pro56Leu (NM_001309840.2, NM_001309861.2); c.*250C>T (NM_016592.5); c.2273C>T, p.Pro758Leu (NM_080425.4); c.302C>T, p.Pro101Leu (NM_080426.4); short protein forms P115L, P100L, P101L, P116L, P758L, P56L.
Identifiers: ClinVar variation 15953 (VCV000015953.10), dbSNP rs137854539, ClinGen allele CA126104.